The following is an entry in ClinVar:

NM_001851.6(COL9A1):c.1782A>G (p.Pro594=)

Gene: COL9A1 (collagen type IX alpha 1 chain; minus strand). Cytogenetic location: 6q13.
Variant type: single nucleotide variant.
Coding change: c.1782A>G on transcript NM_001851.6 (MANE Select); coding-DNA position 1782, A replaced by G.
Protein change: p.Pro594=; no amino-acid change (proline 594 retained).
Molecular consequence: synonymous variant. On other transcripts: non-coding transcript variant (1).
Genome position (GRCh38, 1-based): chr6:70,252,298, T>C on the plus strand (A>G on the coding strand, the complement: COL9A1 is on the minus strand). VCF-style: chr6-70252298-T-C. GRCh37 (hg19) VCF-style: chr6-70962001-T-C.
Other names: c.1083A>G, p.Pro361= (NM_001377289.1); c.1053A>G, p.Pro351= (NM_001377290.1, NM_078485.4); c.1782A>G (NM_001851.4).
Identifiers: ClinVar variation 2777080 (VCV002777080.4), dbSNP rs991016517, ClinGen allele CA140867639.

ClinVar aggregate classification (germline): Likely benign. Review status: criteria provided, multiple submitters, no conflicts (2 of 4 stars). 2 submissions from 2 submitters: Likely benign (2). Last evaluated 2025-12-01.

Conditions:
COL9A1-related disorder. Also called: COL9A1-related condition; COL9A1-related disorders.

Allele frequency attached by ClinVar (database versions not stated): gnomAD 0.00001; TOPMed 0.00001.

Submissions (2):

Labcorp Genetics (formerly Invitae), Labcorp
Classification: Likely benign. Last evaluated: 2025-12-01. Review status: criteria provided, single submitter. Criteria: Invitae Variant Classification Sherloc (09022015). Collection method: clinical testing. Allele origin: germline.

PreventionGenetics, part of Exact Sciences
Classification: Likely benign for COL9A1-related condition. Last evaluated: 2025-09-21. Review status: criteria provided, single submitter. Criteria: ACMG Guidelines, 2015. Collection method: clinical testing. Allele origin: germline.
Comment: This variant is classified as likely benign based on ACMG/AMP sequence variant interpretation guidelines (Richards et al. 2015 PMID: 25741868, with internal and published modifications).